The following is an entry in ClinVar:

ClinVar aggregate classification (germline): Uncertain significance. Review status: criteria provided, multiple submitters, no conflicts (2 of 4 stars). 2 submissions from 2 submitters: Uncertain significance (2). Last evaluated 2026-02-04.

Conditions:
Mitochondrial complex II deficiency, nuclear type 1. Also called: SUCCINATE CoQ REDUCTASE DEFICIENCY. Identifiers: Orphanet 3208, MedGen C5700310, MONDO:0100294, OMIM 252011.
Pheochromocytoma/paraganglioma syndrome 5. Also called: Paragangliomas 5; SDHA-Related Hereditary Paraganglioma-Pheochromocytoma Syndrome. Identifiers: Orphanet 29072, MedGen C3279992, MONDO:0013602, OMIM 614165.
Hereditary cancer-predisposing syndrome. Also called: Tumor predisposition; Hereditary Cancer Syndrome; Hereditary neoplastic syndrome; Neoplastic Syndromes, Hereditary. Identifiers: Orphanet 140162, MedGen C0027672, MeSH D009386, MONDO:0015356.

Submissions (2):

Ambry Genetics
Classification: Uncertain significance for Hereditary cancer-predisposing syndrome. Last evaluated: 2026-02-04. Review status: criteria provided, single submitter. Criteria: Ambry Variant Classification Scheme 2023. Collection method: clinical testing. Allele origin: germline.
Comment: The p.L573P variant (also known as c.1718T>C), located in coding exon 13 of the SDHA gene, results from a T to C substitution at nucleotide position 1718. The leucine at codon 573 is replaced by proline, an amino acid with similar properties. This amino acid position is highly conserved in available vertebrate species. In addition, this alteration is predicted to be deleterious by in silico analysis. Based on the available evidence, the clinical significance of this variant remains unclear.

Labcorp Genetics (formerly Invitae), Labcorp
Classification: Uncertain significance for Pheochromocytoma/paraganglioma syndrome 5; Mitochondrial complex II deficiency, nuclear type 1. Last evaluated: 2024-04-30. Review status: criteria provided, single submitter. Criteria: Invitae Variant Classification Sherloc (09022015). Collection method: clinical testing. Allele origin: germline.
Comment: This sequence change replaces leucine, which is neutral and non-polar, with proline, which is neutral and non-polar, at codon 573 of the SDHA protein (p.Leu573Pro). This variant is not present in population databases (gnomAD no frequency). This variant has not been reported in the literature in individuals affected with SDHA-related conditions. ClinVar contains an entry for this variant (Variation ID: 1778674). Advanced modeling of protein sequence and biophysical properties (such as structural, functional, and spatial information, amino acid conservation, physicochemical variation, residue mobility, and thermodynamic stability) has been performed at Invitae for this missense variant, however the output from this modeling did not meet the statistical confidence thresholds required to predict the impact of this variant on SDHA protein function. In summary, the available evidence is currently insufficient to determine the role of this variant in disease. Therefore, it has been classified as a Variant of Uncertain Significance.

NM_004168.4(SDHA):c.1718T>C (p.Leu573Pro)

Gene: SDHA (succinate dehydrogenase complex flavoprotein subunit A; plus strand). Cytogenetic location: 5p15.33.
Variant type: single nucleotide variant.
Coding change: c.1718T>C on transcript NM_004168.4 (MANE Select); coding-DNA position 1718, T replaced by C.
Protein change: p.Leu573Pro; replaces leucine 573 with proline.
Molecular consequence: missense variant. On other transcripts: intron variant (1).
Genome position (GRCh38, 1-based): chr5:251,392, T>C. VCF-style: chr5-251392-T-C. GRCh37 (hg19) VCF-style: chr5-251507-T-C.
Other names: c.1574T>C, p.Leu525Pro (NM_001294332.2); c.1552-3001T>C (NM_001330758.2); short protein forms L525P, L573P.
Identifiers: ClinVar variation 1778674 (VCV001778674.6), dbSNP rs2477458232, ClinGen allele CA359000097.